The following is an entry in ClinVar:

ClinVar aggregate classification (germline): Uncertain significance. Review status: criteria provided, multiple submitters, no conflicts (2 of 4 stars). 2 submissions from 2 submitters: Uncertain significance (2). Last evaluated 2025-11-18.

Conditions:
Dilated cardiomyopathy 1II (CMD1II). Identifiers: Orphanet 154, MedGen C3554649, MONDO:0014073, OMIM 615184.
Cardiovascular phenotype. Identifiers: MedGen CN230736.

Allele frequency attached by ClinVar (database versions not stated): TOPMed 0.00001.
gnomAD v4.1: 8 of 1,614,066 alleles (0.0005%); highest among the groups gnomAD compares: Non-Finnish European, 0.00059%; no homozygotes.

Submissions (2):

Labcorp Genetics (formerly Invitae), Labcorp
Classification: Uncertain significance for Dilated cardiomyopathy 1II. Last evaluated: 2025-11-18. Review status: criteria provided, single submitter. Criteria: Invitae Variant Classification Sherloc (09022015). Collection method: clinical testing. Allele origin: germline.
Comment: This sequence change replaces valine, which is neutral and non-polar, with methionine, which is neutral and non-polar, at codon 145 of the CRYAB protein (p.Val145Met). This variant is present in population databases (rs781852612, gnomAD 0.0009%). This variant has not been reported in the literature in individuals affected with CRYAB-related conditions. ClinVar contains an entry for this variant (Variation ID: 2040909). An algorithm developed to predict the effect of missense changes on protein structure and function (PolyPhen-2) suggests that this variant is likely to be disruptive. In summary, the available evidence is currently insufficient to determine the role of this variant in disease. Therefore, it has been classified as a Variant of Uncertain Significance.

Ambry Genetics
Classification: Uncertain significance for Cardiovascular phenotype. Last evaluated: 2024-01-13. Review status: criteria provided, single submitter. Criteria: Ambry Variant Classification Scheme 2023. Collection method: clinical testing. Allele origin: germline.
Comment: The p.V145M variant (also known as c.433G>A), located in coding exon 3 of the CRYAB gene, results from a G to A substitution at nucleotide position 433. The valine at codon 145 is replaced by methionine, an amino acid with highly similar properties. This amino acid position is conserved. In addition, this alteration is predicted to be deleterious by in silico analysis. Since supporting evidence is limited at this time, the clinical significance of this alteration remains unclear.

NM_001289808.2(CRYAB):c.433G>A (p.Val145Met)

Gene: CRYAB (crystallin alpha B; minus strand). Cytogenetic location: 11q23.1.
Variant type: single nucleotide variant.
Coding change: c.433G>A on transcript NM_001289808.2 (MANE Select); coding-DNA position 433, G replaced by A.
Protein change: p.Val145Met; replaces valine 145 with methionine.
Molecular consequence: missense variant.
Genome position (GRCh38, 1-based): chr11:111,908,859, C>T on the plus strand (G>A on the coding strand, the complement: CRYAB is on the minus strand). VCF-style: chr11-111908859-C-T. GRCh37 (hg19) VCF-style: chr11-111779583-C-T.
Other names: c.433G>A, p.Val145Met (NM_001289807.1, NM_001368245.1, NM_001885.3); c.232G>A, p.Val78Met (NM_001330379.1, NM_001368246.1); c.433G>A (NM_001885.1); short protein forms V145M, V78M.
Identifiers: ClinVar variation 2040909 (VCV002040909.5), dbSNP rs781852612, ClinGen allele CA6275462.